The following is an entry in ClinVar:

ClinVar aggregate classification (germline): Uncertain significance (1 of 4 stars; one submission).

Conditions:
Autoimmune lymphoproliferative syndrome type 1. Also called: AUTOIMMUNE LYMPHOPROLIFERATIVE SYNDROME, TYPE I, AUTOSOMAL DOMINANT. Identifiers: Orphanet 3261, MedGen C2717884, MONDO:0011158, OMIM 601859.

gnomAD v4.1: 1 of 1,614,168 alleles (0.000062%); highest among the groups gnomAD compares: Non-Finnish European, 0.000085%; no homozygotes.

Submission:

Neuberg Centre For Genomic Medicine, NCGM
Classification: Uncertain significance for Autoimmune lymphoproliferative syndrome type 1. Review status: criteria provided, single submitter. Criteria: ACMG Guidelines, 2015. Collection method: clinical testing. Allele origin: germline. Inheritance: Autosomal dominant inheritance. Affected: yes.
Comment: The observed missense variant c.101C>Ap.Thr34Asn in the FASLG gene has not been reported previously as a pathogenic variant nor as a benign variant, to our knowledge. This variant is absent in the gnomAD Exomes. The amino acid Thr at position 34 is changed to a Asn changing protein sequence and it might alter its composition and physico-chemical properties. Multiple lines of computational evidence Polyphen - Damaging, SIFT - Damaging and MutationTaster - Disease causing predict a damaging effect on protein structure and function for this variant. The residue is conserved by GERP++ and PhyloP across 100 vertebrates. For these reasons, this variant has been classified as Uncertain Significance.

NM_000639.3(FASLG):c.101C>A (p.Thr34Asn)

Gene: FASLG (Fas ligand; plus strand). Cytogenetic location: 1q24.3.
Variant type: single nucleotide variant.
Coding change: c.101C>A on transcript NM_000639.3 (MANE Select); coding-DNA position 101, C replaced by A.
Protein change: p.Thr34Asn; replaces threonine 34 with asparagine.
Molecular consequence: missense variant.
Genome position (GRCh38, 1-based): chr1:172,659,302, C>A. VCF-style: chr1-172659302-C-A. GRCh37 (hg19) VCF-style: chr1-172628442-C-A.
Other names: c.101C>A, p.Thr34Asn (NM_001302746.2); short protein forms T34N.
Identifiers: ClinVar variation 3391230 (VCV003391230.1).